The following is an entry in ClinVar:

ClinVar aggregate classification (germline): Uncertain significance (1 of 4 stars; one submission).

gnomAD v4.1: 9 of 1,211,460 alleles (0.00074%); highest among the groups gnomAD compares: African/African-American, 0.0017%; no homozygotes.

Submission:

Labcorp Genetics (formerly Invitae), Labcorp
Classification: Uncertain significance. Last evaluated: 2024-09-09. Review status: criteria provided, single submitter. Criteria: Invitae Variant Classification Sherloc (09022015). Collection method: clinical testing. Allele origin: germline.
Comment: This sequence change replaces alanine, which is neutral and non-polar, with aspartic acid, which is acidic and polar, at codon 106 of the CLCN4 protein (p.Ala106Asp). This variant is not present in population databases (gnomAD no frequency). This variant has not been reported in the literature in individuals affected with CLCN4-related conditions. Invitae Evidence Modeling of protein sequence and biophysical properties (such as structural, functional, and spatial information, amino acid conservation, physicochemical variation, residue mobility, and thermodynamic stability) has been performed for this missense variant. However, the output from this modeling did not meet the statistical confidence thresholds required to predict the impact of this variant on CLCN4 protein function. In summary, the available evidence is currently insufficient to determine the role of this variant in disease. Therefore, it has been classified as a Variant of Uncertain Significance.

NM_001830.4(CLCN4):c.317C>A (p.Ala106Asp)

Gene: CLCN4 (chloride voltage-gated channel 4; plus strand). Cytogenetic location: Xp22.2.
Variant type: single nucleotide variant.
Coding change: c.317C>A on transcript NM_001830.4 (MANE Select); coding-DNA position 317, C replaced by A.
Protein change: p.Ala106Asp; replaces alanine 106 with aspartic acid.
Molecular consequence: missense variant.
Genome position (GRCh38, 1-based): chrX:10,194,983, C>A. VCF-style: chrX-10194983-C-A. GRCh37 (hg19) VCF-style: chrX-10163023-C-A.
Other names: c.35C>A, p.Ala12Asp (NM_001256944.2); short protein forms A106D, A12D.
Identifiers: ClinVar variation 3630801 (VCV003630801.2).